The following is an entry in ClinVar:

NM_000540.3(RYR1):c.8616+4A>G

Genes: RYR1 (ryanodine receptor 1; plus strand), LOC126862902 (BRD4-independent group 4 enhancer GRCh37_chr19:38995830-38997029; plus strand). Cytogenetic location: 19q13.2.
Variant type: single nucleotide variant.
Coding change: c.8616+4A>G on transcript NM_000540.3 (MANE Select); 4 bases into the intron after coding-DNA position 8616, A replaced by G.
Molecular consequence: intron variant.
Genome position (GRCh38, 1-based): chr19:38,506,381, A>G. VCF-style: chr19-38506381-A-G. GRCh37 (hg19) VCF-style: chr19-38997021-A-G.
Other names: c.8616+4A>G (NM_001042723.2).
Identifiers: ClinVar variation 3072610 (VCV003072610.1), dbSNP rs2514366257, ClinGen allele CA2584902208.
Genomic context (GRCh38, chr19:38,506,381, plus strand): 5'-GGCTACAACCCTCAGCCCCCCGACCTTAGTGCTGTTACCCTGTCCCGGGAGCTGCAGGTG[A>G]GAGCCCTGATCCTTTTGGGGGGACATAGGGTGTCTTTGGGGGGGCTGGCATCCTCTGAAT-3'

ClinVar aggregate classification (germline): Uncertain significance (1 of 4 stars; one submission).

Conditions:
Malignant hyperthermia, susceptibility to, 1 (MHS1). Also called: Anesthesia related hyperthermia; Malignant hyperpyrexia; Fulminating hyperpyrexia; Pharmacogenic myopathy; RYR1-Related Malignant Hyperthermia Susceptibility; Malignant hyperthermia suceptibility 1. Identifiers: Orphanet 423, MedGen C2930980, MONDO:0007783, OMIM 145600.

Allele frequency attached by ClinVar (database versions not stated): gnomAD exomes below 0.00001.
gnomAD v4.1: 2 of 1,613,584 alleles (0.00012%); highest among the groups gnomAD compares: Non-Finnish European, 0.00017%; no homozygotes.

Submission:

All of Us Research Program, National Institutes of Health
Classification: Uncertain significance for Malignant hyperthermia, susceptibility to, 1. Last evaluated: 2023-08-08. Review status: criteria provided, single submitter. Criteria: ACMG Guidelines, 2015. Collection method: clinical testing. Allele origin: germline. Inheritance: Autosomal dominant inheritance. Observed: 1 variant allele, 1 heterozygote.
Comment: This variant causes an A to G nucleotide substitution at the +4 position of intron 55 of the RYR1 gene. To our knowledge, functional studies have not been reported for this variant. This variant has not been reported in individuals affected with RYR1-related disorders in the literature. This variant has not been identified in the general population by the Genome Aggregation Database (gnomAD). The available evidence is insufficient to determine the role of this variant in disease conclusively. Therefore, this variant is classified as a Variant of Uncertain Significance.

This study involves interpretation of variants in research participants for the purpose of population health screening. Participant phenotype was not available at the time of variant classification. Additional details can be found in publication PMID: 35346344, PMCID: PMC8962531